The following is an entry in ClinVar:

NM_005186.4(CAPN1):c.1291_1299del (p.Glu431_Arg433del)

Gene: CAPN1 (calpain 1; plus strand). Cytogenetic location: 11q13.1.
Variant type: Deletion.
Coding change: c.1291_1299del on transcript NM_005186.4 (MANE Select); coding-DNA positions 1291 to 1299, 9 bases deleted (GAGCGCCGC; older notation c.1291_1299delGAGCGCCGC).
Protein change: p.Glu431_Arg433del.
Molecular consequence: inframe deletion. On other transcripts: non-coding transcript variant (1).
Genome position (GRCh38, 1-based): chr11:65,204,808-65,204,816, GAGCGCCGC deleted; deleting any 9 consecutive bases within chr11:65,204,802-65,204,816 gives the same sequence; the c. name uses the placement nearest the transcript's 3' end. VCF-style (leftmost placement, unchanged base first): chr11-65204801-TCGCCGCGAG-T. GRCh37 (hg19) VCF-style: chr11-64972272-TCGCCGCGAG-T.
Other names: c.1291_1299del, p.Glu431_Arg433del (NM_001198868.2, NM_001198869.2).
Identifiers: ClinVar variation 3257456 (VCV003257456.17).

ClinVar aggregate classification (germline): Uncertain significance (1 of 4 stars; one submission).

Submission:

CeGaT Center for Human Genetics Tuebingen
Classification: Uncertain significance. Last evaluated: 2024-07-01. Review status: criteria provided, single submitter. Criteria: CeGaT Center For Human Genetics Tuebingen Variant Classification Criteria Version 2. Collection method: clinical testing. Allele origin: germline. Affected: yes. Observed: 1 variant allele.
Comment: CAPN1: PM2, PM4